The following is an entry in ClinVar:

ClinVar aggregate classification (germline): Uncertain significance (1 of 4 stars; one submission).

Conditions:
Developmental and epileptic encephalopathy, 31A. Also called: Developmental and epileptic encephalopathy, 31; Epileptic encephalopathy, early infantile, 31. Identifiers: Orphanet 2382, MedGen C4225357, MONDO:0014598, OMIM 616346.

Submission:

Labcorp Genetics (formerly Invitae), Labcorp
Classification: Uncertain significance for Developmental and epileptic encephalopathy, 31A. Last evaluated: 2025-06-01. Review status: criteria provided, single submitter. Criteria: Invitae Variant Classification Sherloc (09022015). Collection method: clinical testing. Allele origin: germline.
Comment: This sequence change replaces cysteine, which is neutral and slightly polar, with serine, which is neutral and polar, at codon 86 of the DNM1 protein (p.Cys86Ser). This variant is not present in population databases (gnomAD no frequency). This variant has not been reported in the literature in individuals affected with DNM1-related conditions. Invitae Evidence Modeling of protein sequence and biophysical properties (such as structural, functional, and spatial information, amino acid conservation, physicochemical variation, residue mobility, and thermodynamic stability) indicates that this missense variant is not expected to disrupt DNM1 protein function with a negative predictive value of 80%. In summary, the available evidence is currently insufficient to determine the role of this variant in disease. Therefore, it has been classified as a Variant of Uncertain Significance.

NM_004408.4(DNM1):c.256T>A (p.Cys86Ser)

Genes: DNM1 (dynamin 1; plus strand), LOC113839516 (Sharpr-MPRA regulatory region 8497; plus strand). Cytogenetic location: 9q34.11.
Variant type: single nucleotide variant.
Coding change: c.256T>A on transcript NM_004408.4 (MANE Select); coding-DNA position 256, T replaced by A.
Protein change: p.Cys86Ser; replaces cysteine 86 with serine.
Molecular consequence: missense variant.
Genome position (GRCh38, 1-based): chr9:128,218,602, T>A. VCF-style: chr9-128218602-T-A. GRCh37 (hg19) VCF-style: chr9-130980881-T-A.
Other names: c.256T>A, p.Cys86Ser (NM_001005336.3, NM_001288737.2, NM_001288738.2 and 2 more transcripts); short protein forms C86S.
Identifiers: ClinVar variation 4742677 (VCV004742677.1).